The following is an entry in ClinVar:

ClinVar aggregate classification (germline): Uncertain significance (1 of 4 stars; one submission).

Submission:

Labcorp Genetics (formerly Invitae), Labcorp
Classification: Uncertain significance. Last evaluated: 2023-12-20. Review status: criteria provided, single submitter. Criteria: Invitae Variant Classification Sherloc (09022015). Collection method: clinical testing. Allele origin: unknown.
Comment: This variant is a gross deletion of the genomic region encompassing exon(s) 2-12 of the SCARB1 gene. This variant would be expected to be in-frame, preserving the integrity of the reading frame. This variant has not been reported in the literature in individuals affected with SCARB1-related conditions. Experimental studies and prediction algorithms are not available or were not evaluated, and the functional significance of this variant is currently unknown. In summary, the available evidence is currently insufficient to determine the role of this variant in disease. Therefore, it has been classified as a Variant of Uncertain Significance.

NC_000012.11:g.(?_125267229)_(125302273_?)dup

Gene: SCARB1 (scavenger receptor class B member 1; minus strand). Cytogenetic location: 12q24.31.
Variant type: Duplication.
Identifiers: ClinVar variation 3244388 (VCV003244388.1).